The following is an entry in ClinVar:

NM_024422.6(DSC2):c.712G>T (p.Asp238Tyr)

Gene: DSC2 (desmocollin 2; minus strand). Cytogenetic location: 18q12.1.
Variant type: single nucleotide variant.
Coding change: c.712G>T on transcript NM_024422.6 (MANE Select); coding-DNA position 712, G replaced by T.
Protein change: p.Asp238Tyr; replaces aspartic acid 238 with tyrosine.
Molecular consequence: missense variant.
Genome position (GRCh38, 1-based): chr18:31,087,732, C>A on the plus strand (G>T on the coding strand, the complement: DSC2 is on the minus strand). VCF-style: chr18-31087732-C-A. GRCh37 (hg19) VCF-style: chr18-28667695-C-A.
Other names: c.283G>T, p.Asp95Tyr (NM_001406506.1, NM_001406507.1); c.712G>T, p.Asp238Tyr (NM_004949.5); short protein forms D238Y, D95Y.
Identifiers: ClinVar variation 4244898 (VCV004244898.1).

ClinVar aggregate classification (germline): Uncertain significance (1 of 4 stars; one submission).

Conditions:
Cardiovascular phenotype. Identifiers: MedGen CN230736.

gnomAD v4.1: 1 of 1,613,818 alleles (0.000062%); highest among the groups gnomAD compares: Non-Finnish European, 0.000085%; no homozygotes.

Submission:

Ambry Genetics
Classification: Uncertain significance for Cardiovascular phenotype. Last evaluated: 2025-07-21. Review status: criteria provided, single submitter. Criteria: Ambry Variant Classification Scheme 2023. Collection method: clinical testing. Allele origin: germline.
Comment: The p.D238Y variant (also known as c.712G>T), located in coding exon 6 of the DSC2 gene, results from a G to T substitution at nucleotide position 712. The aspartic acid at codon 238 is replaced by tyrosine, an amino acid with highly dissimilar properties. This amino acid position is conserved. In addition, this alteration is predicted to be deleterious by in silico analysis. Based on the available evidence, the clinical significance of this variant remains unclear.